The following is an entry in ClinVar:

ClinVar aggregate classification (germline): Likely pathogenic (1 of 4 stars; one submission).

Conditions:
Carnitine palmitoyl transferase 1A deficiency. Also called: CPT I DEFICIENCY; CPT DEFICIENCY, HEPATIC, TYPE I; Carnitine palmitoyltransferase type I deficiency; CPT deficiency, hepatic, type IA; Carnitine palmitoyltransferase 1A deficiency. Identifiers: Orphanet 156, MedGen C1829703, MONDO:0009705, OMIM 255120.

Submission:

Natera, Inc.
Classification: Likely pathogenic for Carnitine palmitoyltransferase type I deficiency. Last evaluated: 2025-08-21. Review status: criteria provided, single submitter. Criteria: Natera Variant Classification Schema (03/2026). Collection method: clinical testing. Allele origin: germline.
Comment: The c.1690_1691delAC variant in CPT1A is a frameshift variant predicted to shift the reading frame beginning at codon 564 and leads to a stop codon 47 codons downstream. This variant is expected to result in nonsense mediated decay, truncation, or a dysfunctional protein product. This variant is rare in the general population with a frequency below the threshold expected for the associated phenotype(s). Given the available evidence, this variant is classified as Likely Pathogenic.

NM_001876.4(CPT1A):c.1690_1691del (p.Thr564fs)

Gene: CPT1A (carnitine palmitoyltransferase 1A; minus strand). Cytogenetic location: 11q13.3.
Variant type: Deletion.
Coding change: c.1690_1691del on transcript NM_001876.4 (MANE Select); coding-DNA positions 1690 to 1691, 2 bases deleted (AC; older notation c.1690_1691delAC).
Protein change: p.Thr564fs; shifts the reading frame from threonine 564.
Molecular consequence: frameshift variant.
Genome position (GRCh38, 1-based): chr11:68,773,314-68,773,315, GT deleted on the plus strand (AC on the coding strand, the reverse complement: CPT1A is on the minus strand); deleting any 2 consecutive bases within chr11:68,773,314-68,773,316 gives the same sequence; the c. name uses the placement nearest the transcript's 3' end. VCF-style (leftmost placement, unchanged base first): chr11-68773313-CGT-C. GRCh37 (hg19) VCF-style: chr11-68540781-CGT-C.
Other names: c.1690_1691del, p.Thr564fs (NM_001031847.3, NM_001440358.1, NM_001440359.1 and 3 more transcripts); c.1582_1583del, p.Thr528fs (NM_001440363.1); c.1504_1505del, p.Thr502fs (NM_001440365.1); short protein forms T502fs, T528fs, T564fs.
Identifiers: ClinVar variation 4814972 (VCV004814972.1).